The following is an entry in ClinVar:

NM_001276270.2(MBD4):c.1183+8A>C

Gene: MBD4 (methyl-CpG binding domain 4, DNA glycosylase; minus strand). Cytogenetic location: 3q21.3.
Variant type: single nucleotide variant.
Coding change: c.1183+8A>C on transcript NM_001276270.2 (MANE Select); 8 bases into the intron after coding-DNA position 1183, A replaced by C.
Molecular consequence: intron variant. On other transcripts: missense variant (3).
Genome position (GRCh38, 1-based): chr3:129,436,453, T>G on the plus strand (A>C on the coding strand, the complement: MBD4 is on the minus strand). VCF-style: chr3-129436453-T-G. GRCh37 (hg19) VCF-style: chr3-129155296-T-G.
Other names: c.1191A>C, p.Lys397Asn (NM_001276271.2, NM_001276272.2, NM_003925.3); c.247+1355A>C (NM_001276273.2); short protein forms K397N.
Identifiers: ClinVar variation 3653286 (VCV003653286.2).

ClinVar aggregate classification (germline): Uncertain significance (1 of 4 stars; one submission).

Submission:

Labcorp Genetics (formerly Invitae), Labcorp
Classification: Uncertain significance. Last evaluated: 2024-05-14. Review status: criteria provided, single submitter. Criteria: Invitae Variant Classification Sherloc (09022015). Collection method: clinical testing. Allele origin: germline.
Comment: This sequence change replaces lysine, which is basic and polar, with asparagine, which is neutral and polar, at codon 397 of the MBD4 protein (p.Lys397Asn). This variant is not present in population databases (gnomAD no frequency). This variant has not been reported in the literature in individuals affected with MBD4-related conditions. An algorithm developed to predict the effect of missense changes on protein structure and function (PolyPhen-2) suggests that this variant is likely to be tolerated. In summary, the available evidence is currently insufficient to determine the role of this variant in disease. Therefore, it has been classified as a Variant of Uncertain Significance.